The following is an entry in ClinVar:

ClinVar aggregate classification (germline): Uncertain significance. Review status: criteria provided, multiple submitters, no conflicts (2 of 4 stars). 3 submissions from 3 submitters: Uncertain significance (3). Last evaluated 2025-05-28.

Conditions:
Cardiovascular phenotype. Identifiers: MedGen CN230736.
Long QT syndrome (LQTS). Identifiers: MedGen C0023976, MeSH D008133, MONDO:0002442. Disease mechanism: loss of function. Inheritance: Various modes of inheritance.

Allele frequency attached by ClinVar (database versions not stated): TOPMed below 0.00001; gnomAD 0.00001.
gnomAD v4.1: 3 of 1,595,602 alleles (0.00019%); highest among the groups gnomAD compares: African/African-American, 0.0013%; no homozygotes.

Submissions (3):

GeneDx
Classification: Uncertain significance. Last evaluated: 2025-05-28. Review status: criteria provided, single submitter. Criteria: GeneDx Variant Classification Process June 2021. Collection method: clinical testing. Allele origin: germline. Affected: yes.
Comment: Not observed at significant frequency in large population cohorts (gnomAD); In silico analysis supports that this missense variant has a deleterious effect on protein structure/function; Has not been previously published as pathogenic or benign to our knowledge

Ambry Genetics
Classification: Uncertain significance for Cardiovascular phenotype. Last evaluated: 2025-03-10. Review status: criteria provided, single submitter. Criteria: Ambry Variant Classification Scheme 2023. Collection method: clinical testing. Allele origin: germline.
Comment: The p.R511W variant (also known as c.1531C>T), located in coding exon 12 of the CACNA1C gene, results from a C to T substitution at nucleotide position 1531. The arginine at codon 511 is replaced by tryptophan, an amino acid with dissimilar properties. This amino acid position is highly conserved in available vertebrate species. In addition, this alteration is predicted to be deleterious by in silico analysis. Based on the available evidence, the clinical significance of this variant remains unclear.

Labcorp Genetics (formerly Invitae), Labcorp
Classification: Uncertain significance for Long QT syndrome. Last evaluated: 2025-02-26. Review status: criteria provided, single submitter. Criteria: Invitae Variant Classification Sherloc (09022015). Collection method: clinical testing. Allele origin: germline.
Comment: This sequence change replaces arginine, which is basic and polar, with tryptophan, which is neutral and slightly polar, at codon 511 of the CACNA1C protein (p.Arg511Trp). The frequency data for this variant in the population databases is considered unreliable, as metrics indicate poor data quality at this position in the gnomAD database. This variant has not been reported in the literature in individuals affected with CACNA1C-related conditions. ClinVar contains an entry for this variant (Variation ID: 3019387). Invitae Evidence Modeling of protein sequence and biophysical properties (such as structural, functional, and spatial information, amino acid conservation, physicochemical variation, residue mobility, and thermodynamic stability) indicates that this missense variant is expected to disrupt CACNA1C protein function with a positive predictive value of 95%. In summary, the available evidence is currently insufficient to determine the role of this variant in disease. Therefore, it has been classified as a Variant of Uncertain Significance.

NM_000719.7(CACNA1C):c.1531C>T (p.Arg511Trp)

Gene: CACNA1C (calcium voltage-gated channel subunit alpha1 C; plus strand). Cytogenetic location: 12p13.33.
Variant type: single nucleotide variant.
Coding change: c.1531C>T on transcript NM_000719.7 (MANE Select); coding-DNA position 1531, C replaced by T.
Protein change: p.Arg511Trp; replaces arginine 511 with tryptophan.
Molecular consequence: missense variant.
Genome position (GRCh38, 1-based): chr12:2,566,444, C>T. VCF-style: chr12-2566444-C-T. GRCh37 (hg19) VCF-style: chr12-2675610-C-T.
Other names: c.1531C>T, p.Arg511Trp (NM_001129827.2, NM_001129829.2, NM_001129830.3 and 18 more transcripts); c.1522C>T, p.Arg508Trp (NM_001129844.2); short protein forms R511W, R508W.
Identifiers: ClinVar variation 3019387 (VCV003019387.5), dbSNP rs1310223974, ClinGen allele CA383368429.
Genomic context (GRCh38, chr12:2,566,444, plus strand): 5'-CAGCCAACCCCACCCTTCTCTCCCTGTCCCCTTTCCAGCCGCTACTGGCGCCGGTGGAAT[C>T]GGTTCTGCAGAAGGAAGTGCCGCGCCGCAGTCAAGTCTAATGTCTTCTACTGGCTGGTGA-3'
Protein context (NP_000710.5, residues 501-521): KFSRYWRRWN[Arg511Trp]FCRRKCRAAV